The following is an entry in ClinVar:

NM_020821.3(VPS13C):c.5711G>A (p.Arg1904Lys)

Gene: VPS13C (vacuolar protein sorting 13 homolog C; minus strand). Cytogenetic location: 15q22.2.
Variant type: single nucleotide variant.
Coding change: c.5711G>A on transcript NM_020821.3 (MANE Select); coding-DNA position 5711, G replaced by A.
Protein change: p.Arg1904Lys; replaces arginine 1904 with lysine.
Molecular consequence: missense variant.
Genome position (GRCh38, 1-based): chr15:61,936,641, C>T on the plus strand (G>A on the coding strand, the complement: VPS13C is on the minus strand). VCF-style: chr15-61936641-C-T. GRCh37 (hg19) VCF-style: chr15-62228840-C-T.
Other names: c.5711G>A, p.Arg1904Lys (NM_001018088.3); c.5582G>A, p.Arg1861Lys (NM_017684.5, NM_018080.4); short protein forms R1904K, R1861K.
Identifiers: ClinVar variation 2050482 (VCV002050482.1), dbSNP rs1164526906, ClinGen allele CA392689500.

ClinVar aggregate classification (germline): Uncertain significance (1 of 4 stars; one submission).

Allele frequency attached by ClinVar (database versions not stated): gnomAD 0.00002; TOPMed 0.00002; gnomAD exomes 0.00013.
gnomAD v4.1: 186 of 1,597,248 alleles (0.012%); highest among the groups gnomAD compares: Non-Finnish European, 0.016%; no homozygotes.

Submission:

Labcorp Genetics (formerly Invitae), Labcorp
Classification: Uncertain significance. Last evaluated: 2022-07-12. Review status: criteria provided, single submitter. Criteria: Invitae Variant Classification Sherloc (09022015). Collection method: clinical testing. Allele origin: germline.
Comment: This sequence change replaces arginine, which is basic and polar, with lysine, which is basic and polar, at codon 1904 of the VPS13C protein (p.Arg1904Lys). This variant is present in population databases (no rsID available, gnomAD 0.003%). This variant has not been reported in the literature in individuals affected with VPS13C-related conditions. Algorithms developed to predict the effect of missense changes on protein structure and function output the following: SIFT: "Tolerated"; PolyPhen-2: "Benign"; Align-GVGD: "Class C0". The lysine amino acid residue is found in multiple mammalian species, which suggests that this missense change does not adversely affect protein function. In summary, the available evidence is currently insufficient to determine the role of this variant in disease. Therefore, it has been classified as a Variant of Uncertain Significance.